The following is an entry in ClinVar:

NM_178844.4(NLRC3):c.179-40C>A

Gene: NLRC3 (NLR family CARD domain containing 3; minus strand). Cytogenetic location: 16p13.3.
Variant type: single nucleotide variant.
Coding change: c.179-40C>A on transcript NM_178844.4 (MANE Select); 40 bases into the intron before coding-DNA position 179, C replaced by A.
Molecular consequence: intron variant.
Genome position (GRCh38, 1-based): chr16:3,564,798, G>T on the plus strand (C>A on the coding strand, the complement: NLRC3 is on the minus strand). VCF-style: chr16-3564798-G-T. GRCh37 (hg19) VCF-style: chr16-3614799-G-T.
Identifiers: ClinVar variation 103358 (VCV000103358.2), dbSNP rs199476276, ClinGen allele CA230469.
Genomic context (GRCh38, chr16:3,564,798, plus strand): 5'-GGTGCCTCTGTATCCTTGAGTCTGCGGGACAGAGGCCAGTGGGGAGGTCTGGTAAGGGAA[G>T]AGTGGGCACAATCAGCCCAGGTGTTCCCCACCCCGCGTCTGCCTCCCAAGCCGGTCCTAC-3'

ClinVar aggregate classification (germline): not provided (0 of 4 stars; one submission).

Allele frequency attached by ClinVar (database versions not stated): ESP Exome Variant Server 0.00008; gnomAD exomes 0.00008; TOPMed 0.00008; gnomAD 0.00009 and 0.00010; ExAC 0.00013.
gnomAD v4.1: 289 of 1,567,744 alleles (0.018%); highest among the groups gnomAD compares: Non-Finnish European, 0.023%; no homozygotes.

Submission:

Human Evolutionary Genetics, Institut Pasteur
No classification provided. Review status: no classification provided. Collection method: not provided. Allele origin: germline.
ClinVar note: Converted during submission from untested to not provided.